The following is an entry in ClinVar:

NM_199420.4(POLQ):c.975T>A (p.His325Gln)

Gene: POLQ (DNA polymerase theta; minus strand). Cytogenetic location: 3q13.33.
Variant type: single nucleotide variant.
Coding change: c.975T>A on transcript NM_199420.4 (MANE Select); coding-DNA position 975, T replaced by A.
Protein change: p.His325Gln; replaces histidine 325 with glutamine.
Molecular consequence: missense variant.
Genome position (GRCh38, 1-based): chr3:121,529,778, A>T on the plus strand (T>A on the coding strand, the complement: POLQ is on the minus strand). VCF-style: chr3-121529778-A-T. GRCh37 (hg19) VCF-style: chr3-121248625-A-T.
Other names: short protein forms H325Q.
Identifiers: ClinVar variation 1768108 (VCV001768108.2), dbSNP rs1449758398, ClinGen allele CA354124887.

ClinVar aggregate classification (germline): Uncertain significance (1 of 4 stars; one submission).

Allele frequency attached by ClinVar (database versions not stated): gnomAD exomes below 0.00001; TOPMed below 0.00001; gnomAD 0.00001.
gnomAD v4.1: 2 of 1,610,116 alleles (0.00012%); highest among the groups gnomAD compares: Non-Finnish European, 0.00017%; no homozygotes.

Submission:

Ambry Genetics
Classification: Uncertain significance. Last evaluated: 2023-10-06. Review status: criteria provided, single submitter. Criteria: Ambry Variant Classification Scheme 2023. Collection method: clinical testing. Allele origin: germline.
Comment: The p.H325Q variant (also known as c.975T>A), located in coding exon 7 of the POLQ gene, results from a T to A substitution at nucleotide position 975. The histidine at codon 325 is replaced by glutamine, an amino acid with highly similar properties. This amino acid position is conserved. In addition, this alteration is predicted to be tolerated by in silico analysis. Since supporting evidence is limited at this time, the clinical significance of this alteration remains unclear.